The following is an entry in ClinVar:

NM_198060.4(NRAP):c.1810C>T (p.His604Tyr)

Gene: NRAP (nebulin related anchoring protein; minus strand). Cytogenetic location: 10q25.3.
Variant type: single nucleotide variant.
Coding change: c.1810C>T on transcript NM_198060.4 (MANE Select); coding-DNA position 1810, C replaced by T.
Protein change: p.His604Tyr; replaces histidine 604 with tyrosine.
Molecular consequence: missense variant.
Genome position (GRCh38, 1-based): chr10:113,631,541, G>A on the plus strand (C>T on the coding strand, the complement: NRAP is on the minus strand). VCF-style: chr10-113631541-G-A. GRCh37 (hg19) VCF-style: chr10-115391300-G-A.
Other names: c.1810C>T, p.His604Tyr (NM_001261463.2, NM_001322945.2); c.1705C>T, p.His569Tyr (NM_006175.5); short protein forms H569Y, H604Y.
Identifiers: ClinVar variation 1317260 (VCV001317260.2), dbSNP rs776270525, ClinGen allele CA378419227.

ClinVar aggregate classification (germline): Uncertain significance (1 of 4 stars; one submission).

gnomAD v4.1: 2 of 1,612,204 alleles (0.00012%); highest among the groups gnomAD compares: Non-Finnish European, 0.00017%; no homozygotes.

Submission:

GeneDx
Classification: Uncertain significance. Last evaluated: 2019-08-21. Review status: criteria provided, single submitter. Criteria: GeneDx Variant Classification Process June 2021. Collection method: clinical testing. Allele origin: germline. Affected: yes.
Comment: Not observed in large population cohorts (Lek et al., 2016); In silico analysis, which includes protein predictors and evolutionary conservation, supports a deleterious effect; Has not been previously published as pathogenic or benign to our knowledge; Variants in candidate genes are classified as variants of uncertain significance in accordance with ACMG guidelines (Richards et al., 2015)